The following is an entry in ClinVar:

NM_007027.4(TOPBP1):c.2879C>A (p.Ser960Tyr)

Gene: TOPBP1 (DNA topoisomerase II binding protein 1; minus strand). Cytogenetic location: 3q22.1.
Variant type: single nucleotide variant.
Coding change: c.2879C>A on transcript NM_007027.4 (MANE Select); coding-DNA position 2879, C replaced by A.
Protein change: p.Ser960Tyr; replaces serine 960 with tyrosine.
Molecular consequence: missense variant.
Genome position (GRCh38, 1-based): chr3:133,624,101, G>T on the plus strand (C>A on the coding strand, the complement: TOPBP1 is on the minus strand). VCF-style: chr3-133624101-G-T. GRCh37 (hg19) VCF-style: chr3-133342945-G-T.
Other names: c.2864C>A, p.Ser955Tyr (NM_001363889.2); short protein forms S960Y, S955Y.
Identifiers: ClinVar variation 2359023 (VCV002359023.4), dbSNP rs201768751, ClinGen allele CA2624146.

ClinVar aggregate classification (germline): Conflicting classifications of pathogenicity. Review status: criteria provided, conflicting classifications (1 of 4 stars). 2 submissions from 2 submitters: Uncertain significance (1); Likely benign (1). Last evaluated 2024-10-20.

Conditions:
TOPBP1-related disorder. Also called: TOPBP1-related condition.

Allele frequency attached by ClinVar (database versions not stated): gnomAD exomes 0.00014; ExAC 0.00020; gnomAD 0.00031; TOPMed 0.00032; ESP Exome Variant Server 0.00051.
gnomAD v4.1: 268 of 1,613,758 alleles (0.017%); highest among the groups gnomAD compares: Middle Eastern, 0.083%; no homozygotes.

Submissions (2):

PreventionGenetics, part of Exact Sciences
Classification: Likely benign for TOPBP1-related condition. Last evaluated: 2024-10-20. Review status: criteria provided, single submitter. Criteria: ACMG Guidelines, 2015. Collection method: clinical testing. Allele origin: germline.
Comment: This variant is classified as likely benign based on ACMG/AMP sequence variant interpretation guidelines (Richards et al. 2015 PMID: 25741868, with internal and published modifications).

Ambry Genetics
Classification: Uncertain significance. Last evaluated: 2024-08-14. Review status: criteria provided, single submitter. Criteria: Ambry Variant Classification Scheme 2023. Collection method: clinical testing. Allele origin: germline.